The following is an entry in ClinVar:

NM_201384.3(PLEC):c.401T>A (p.Leu134His)

Gene: PLEC (plectin; minus strand). Cytogenetic location: 8q24.3.
Variant type: single nucleotide variant.
Coding change: c.401T>A on transcript NM_201384.3 (MANE Select); coding-DNA position 401, T replaced by A.
Protein change: p.Leu134His; replaces leucine 134 with histidine.
Molecular consequence: missense variant.
Genome position (GRCh38, 1-based): chr8:143,937,013, A>T on the plus strand (T>A on the coding strand, the complement: PLEC is on the minus strand). VCF-style: chr8-143937013-A-T. GRCh37 (hg19) VCF-style: chr8-145011181-A-T.
Other names: c.482T>A, p.Leu161His (NM_000445.5, NM_001410941.1); c.359T>A, p.Leu120His (NM_201378.4); c.335T>A, p.Leu112His (NM_201379.3); c.812T>A, p.Leu271His (NM_201380.4); c.305T>A, p.Leu102His (NM_201381.3); c.401T>A, p.Leu134His (NM_201382.4); c.413T>A, p.Leu138His (NM_201383.3); short protein forms L120H, L138H, L271H, L102H, L161H, L112H, L134H.
Identifiers: ClinVar variation 4784498 (VCV004784498.1).

ClinVar aggregate classification (germline): Uncertain significance (1 of 4 stars; one submission).

Conditions:
Epidermolysis bullosa simplex with nail dystrophy (EBS5D). Identifiers: MedGen C4225309, MONDO:0014661, OMIM 616487.
Epidermolysis bullosa simplex, Ogna type (EBS5A). Also called: Pidermolysis bullosa simplex 5A, Ogna type; EPIDERMOLYSIS BULLOSA SIMPLEX 5A, OGNA TYPE. Identifiers: Orphanet 79401, MedGen C0432317, MONDO:0007555, OMIM 131950.
Epidermolysis bullosa simplex 5B, with muscular dystrophy (EBS5B). Also called: Epidermolysis bullosa simplex with muscular dystrophy; EPIDERMOLYSIS BULLOSA SIMPLEX AND LIMB-GIRDLE MUSCULAR DYSTROPHY. Identifiers: Orphanet 257, MedGen C2931072, MONDO:0009181, OMIM 226670.
Autosomal recessive limb-girdle muscular dystrophy type 2Q (LGMDR17). Also called: MUSCULAR DYSTROPHY, LIMB-GIRDLE, AUTOSOMAL RECESSIVE 17. Identifiers: Orphanet 254361, MedGen C3150989, MONDO:0013390, OMIM 613723.
Epidermolysis bullosa simplex 5C, with pyloric atresia (EBS5C). Also called: PLEC-Related Epidermolysis Bullosa with Pyloric Atresia; Epidermolysis bullosa simplex with pyloric atresia; PLEC1-Related Epidermolysis Bullosa with Pyloric Atresia. Identifiers: Orphanet 158684, MedGen C2677349, MONDO:0012807, OMIM 612138.

Submission:

Labcorp Genetics (formerly Invitae), Labcorp
Classification: Uncertain significance for Autosomal recessive limb-girdle muscular dystrophy type 2Q; Epidermolysis bullosa simplex, Ogna type; Epidermolysis bullosa simplex with nail dystrophy; Epidermolysis bullosa simplex 5C, with pyloric atresia; Epidermolysis bullosa simplex 5B, with muscular dystrophy. Last evaluated: 2025-03-28. Review status: criteria provided, single submitter. Criteria: Invitae Variant Classification Sherloc (09022015). Collection method: clinical testing. Allele origin: germline.
Comment: This sequence change replaces leucine, which is neutral and non-polar, with histidine, which is basic and polar, at codon 161 of the PLEC protein (p.Leu161His). This variant is not present in population databases (gnomAD no frequency). This variant has not been reported in the literature in individuals affected with PLEC-related conditions. Experimental studies and prediction algorithms are not available or were not evaluated, and the functional significance of this variant is currently unknown. In summary, the available evidence is currently insufficient to determine the role of this variant in disease. Therefore, it has been classified as a Variant of Uncertain Significance.